The following is an entry in ClinVar:

ClinVar aggregate classification (germline): Likely benign. Review status: criteria provided, multiple submitters, no conflicts (2 of 4 stars). 3 submissions from 3 submitters: Likely benign (2). 1 of the submissions does not count toward it. Last evaluated 2026-08-01.

Conditions:
RIN2-related disorder. Also called: RIN2-related condition.

Allele frequency attached by ClinVar (database versions not stated): gnomAD exomes 0.00007; gnomAD 0.00009; TOPMed 0.00010; ExAC 0.00012; ESP Exome Variant Server 0.00024.
gnomAD v4.1: 123 of 1,613,848 alleles (0.0076%); highest among the groups gnomAD compares: Non-Finnish European, 0.01%; no homozygotes.

Submissions (3):

CeGaT Center for Human Genetics Tuebingen
Classification: Likely benign. Last evaluated: 2026-08-01. Review status: criteria provided, single submitter. Criteria: CeGaT Center For Human Genetics Tuebingen Variant Classification Criteria Version 2. Collection method: clinical testing. Allele origin: germline. Affected: yes. Observed: 3 variant alleles.
Comment: RIN2: BP4, BP7

Labcorp Genetics (formerly Invitae), Labcorp
Classification: Likely benign. Last evaluated: 2026-01-19. Review status: criteria provided, single submitter. Criteria: Invitae Variant Classification Sherloc (09022015). Collection method: clinical testing. Allele origin: germline.

PreventionGenetics, part of Exact Sciences
Classification: Likely benign for RIN2-related condition. Last evaluated: 2019-09-11. Review status: no assertion criteria provided. Collection method: clinical testing. Allele origin: germline. Not counted in ClinVar's aggregate classification.
Comment: This variant is classified as likely benign based on ACMG/AMP sequence variant interpretation guidelines (Richards et al. 2015 PMID: 25741868, with internal and published modifications).

NM_018993.4(RIN2):c.2478C>T (p.Phe826=)

Gene: RIN2 (Ras and Rab interactor 2; plus strand). Cytogenetic location: 20p11.23.
Variant type: single nucleotide variant.
Coding change: c.2478C>T on transcript NM_018993.4 (MANE Select); coding-DNA position 2478, C replaced by T.
Protein change: p.Phe826=; no amino-acid change (phenylalanine 826 retained).
Molecular consequence: synonymous variant.
Genome position (GRCh38, 1-based): chr20:20,000,726, C>T. VCF-style: chr20-20000726-C-T. GRCh37 (hg19) VCF-style: chr20-19981370-C-T.
Other names: c.2625C>T (NM_001242581.1); c.2625C>T, p.Phe875= (NM_001242581.2); c.1860C>T, p.Phe620= (NM_001378238.1).
Identifiers: ClinVar variation 2196971 (VCV002196971.29), dbSNP rs376143470, ClinGen allele CA9780312.
Genomic context (GRCh38, chr20:20,000,726, plus strand): 5'-CCTCCTTGTGAGACCTTACATCACCACTGAGGATGTGTGTCAGATCTGCGCTGAGAAGTT[C>T]AAGGTGGGGGACCCTGAGGAGTACAGCCTCTTTCTCTTCGTTGACGAGACATGGCAGCAG-3'
Protein context (NP_061866.1, residues 816-836): EDVCQICAEK[Phe826=]KVGDPEEYSL